The following is an entry in ClinVar:

ClinVar aggregate classification (germline): Uncertain significance (1 of 4 stars; one submission).

Allele frequency attached by ClinVar (database versions not stated): gnomAD exomes below 0.00001.
gnomAD v4.1: 2 of 1,614,028 alleles (0.00012%); highest among the groups gnomAD compares: Non-Finnish European, 0.00017%; no homozygotes.

Submission:

Labcorp Genetics (formerly Invitae), Labcorp
Classification: Uncertain significance. Last evaluated: 2024-07-16. Review status: criteria provided, single submitter. Criteria: Invitae Variant Classification Sherloc (09022015). Collection method: clinical testing. Allele origin: germline.
Comment: This sequence change replaces leucine, which is neutral and non-polar, with phenylalanine, which is neutral and non-polar, at codon 386 of the TNNI3K protein (p.Leu386Phe). This variant is not present in population databases (gnomAD no frequency). This variant has not been reported in the literature in individuals affected with TNNI3K-related conditions. Advanced modeling of protein sequence and biophysical properties (such as structural, functional, and spatial information, amino acid conservation, physicochemical variation, residue mobility, and thermodynamic stability) performed at Invitae indicates that this missense variant is not expected to disrupt TNNI3K protein function with a negative predictive value of 80%. In summary, the available evidence is currently insufficient to determine the role of this variant in disease. Therefore, it has been classified as a Variant of Uncertain Significance.

NM_015978.3(TNNI3K):c.1158G>T (p.Leu386Phe)

Genes: TNNI3K (TNNI3 interacting kinase; plus strand), FPGT-TNNI3K (FPGT-TNNI3K readthrough; plus strand). Cytogenetic location: 1p31.1.
Variant type: single nucleotide variant.
Coding change: c.1158G>T on transcript NM_015978.3 (MANE Select); coding-DNA position 1158, G replaced by T.
Protein change: p.Leu386Phe; replaces leucine 386 with phenylalanine.
Molecular consequence: missense variant.
Genome position (GRCh38, 1-based): chr1:74,354,110, G>T. VCF-style: chr1-74354110-G-T. GRCh37 (hg19) VCF-style: chr1-74819794-G-T.
Other names: c.1461G>T, p.Leu487Phe (NM_001112808.3, NM_001199327.2); short protein forms L386F, L487F.
Identifiers: ClinVar variation 2842675 (VCV002842675.3), dbSNP rs1159085801, ClinGen allele CA340784557.